The following is an entry in ClinVar:

ClinVar aggregate classification (germline): Likely benign. Review status: criteria provided, multiple submitters, no conflicts (2 of 4 stars). 4 submissions from 4 submitters: Likely benign (4). Last evaluated 2025-12-09.

Conditions:
COL6A2-related disorder.
Bethlem myopathy 1A. Also called: MYOPATHY, BENIGN CONGENITAL, WITH CONTRACTURES; Bethlem myopathy 1; Bethlem Muscular Dystrophy. Identifiers: Orphanet 610, MedGen CN029274, MONDO:0024530, OMIM 158810.

Allele frequency attached by ClinVar (database versions not stated): gnomAD exomes 0.00002; ExAC 0.00003; gnomAD 0.00004; TOPMed 0.00005; ESP Exome Variant Server 0.00008.
gnomAD v4.1: 120 of 1,613,114 alleles (0.0074%); highest among the groups gnomAD compares: Non-Finnish European, 0.0089%; no homozygotes.

Submissions (4):

PreventionGenetics, part of Exact Sciences
Classification: Likely benign for COL6A2-related condition. Last evaluated: 2025-12-09. Review status: criteria provided, single submitter. Criteria: ACMG Guidelines, 2015. Collection method: clinical testing. Allele origin: germline.
Comment: This variant is classified as likely benign based on ACMG/AMP sequence variant interpretation guidelines (Richards et al. 2015 PMID: 25741868, with internal and published modifications).

Labcorp Genetics (formerly Invitae), Labcorp
Classification: Likely benign for Bethlem myopathy 1A. Last evaluated: 2025-09-03. Review status: criteria provided, single submitter. Criteria: Invitae Variant Classification Sherloc (09022015). Collection method: clinical testing. Allele origin: germline.

Blueprint Genetics
Classification: Likely benign. Last evaluated: 2023-04-12. Review status: criteria provided, single submitter. Criteria: ACMG Guidelines, 2015. Collection method: clinical testing. Allele origin: germline.

Breakthrough Genomics
Classification: Likely benign. Review status: criteria provided, single submitter. Criteria: ACMG Guidelines, 2015. Collection method: not provided. Allele origin: germline. Inheritance: Autosomal recessive inheritance. Affected: yes.

NM_001849.4(COL6A2):c.249C>T (p.Asn83=)

Gene: COL6A2 (collagen type VI alpha 2 chain; plus strand). Cytogenetic location: 21q22.3.
Variant type: single nucleotide variant.
Coding change: c.249C>T on transcript NM_001849.4 (MANE Select); coding-DNA position 249, C replaced by T.
Protein change: p.Asn83=; no amino-acid change (asparagine 83 retained).
Molecular consequence: synonymous variant.
Genome position (GRCh38, 1-based): chr21:46,112,112, C>T. VCF-style: chr21-46112112-C-T. GRCh37 (hg19) VCF-style: chr21-47532026-C-T.
Other names: c.249C>T, p.Asn83= (NM_058174.3, NM_058175.3).
Identifiers: ClinVar variation 735317 (VCV000735317.14), dbSNP rs151032529, ClinGen allele CA10071242.